The following is an entry in ClinVar:

ClinVar aggregate classification (germline): Conflicting classifications of pathogenicity. Review status: criteria provided, conflicting classifications (1 of 4 stars). 9 submissions from 9 submitters: Uncertain significance (2); Benign (1); Likely benign (3). 3 of the submissions do not count toward it. Last evaluated 2026-02-10.

Conditions:
SLC2A1-related disorder. Also called: SLC2A1-related condition; SLC2A1-related disorders.
Inborn genetic diseases. Identifiers: MedGen C0950123, MeSH D030342.
GLUT1 deficiency syndrome 1, autosomal recessive. Identifiers: MedGen C3149117.

Allele frequency attached by ClinVar (database versions not stated): gnomAD 0.00013 and 0.00016; 1000 Genomes Project 30x 0.00016; ESP Exome Variant Server 0.00016; gnomAD exomes 0.00020 and 0.00041; ExAC 0.00022; TOPMed 0.00022.

Submissions (9):

PreventionGenetics, part of Exact Sciences
Classification: Likely benign for SLC2A1-related condition. Last evaluated: 2026-02-10. Review status: criteria provided, single submitter. Criteria: ACMG Guidelines, 2015. Collection method: clinical testing. Allele origin: germline.
Comment: This variant is classified as likely benign based on ACMG/AMP sequence variant interpretation guidelines (Richards et al. 2015 PMID: 25741868, with internal and published modifications).

Labcorp Genetics (formerly Invitae), Labcorp
Classification: Likely benign for GLUT1 deficiency syndrome 1, autosomal recessive. Last evaluated: 2026-02-01. Review status: criteria provided, single submitter. Criteria: Invitae Variant Classification Sherloc (09022015). Collection method: clinical testing. Allele origin: germline.

CeGaT Center for Human Genetics Tuebingen
Classification: Uncertain significance. Last evaluated: 2025-12-01. Review status: criteria provided, single submitter. Criteria: CeGaT Center For Human Genetics Tuebingen Variant Classification Criteria Version 2. Collection method: clinical testing. Allele origin: germline. Affected: yes. Observed: 3 variant alleles.
Comment: SLC2A1: PM2, BP4

Ambry Genetics
Classification: Likely benign for Inborn genetic diseases. Last evaluated: 2025-03-06. Review status: criteria provided, single submitter. Criteria: Ambry Variant Classification Scheme 2023. Collection method: clinical testing. Allele origin: germline.

Eurofins Ntd Llc (ga)
Classification: Uncertain significance. Last evaluated: 2014-11-20. Review status: criteria provided, single submitter. Criteria: EGL Classification Definitions 2015. Collection method: clinical testing. Allele origin: germline. Observed: 1 variant allele, 1 heterozygote.

GeneDx
Classification: Benign. Last evaluated: 2013-12-02. Review status: criteria provided, single submitter. Criteria: GeneDx Variant Classification (06012015). Collection method: clinical testing. Allele origin: germline. Affected: yes.
Comment: The variant is found in EPILEPSY panel(s).

Clinical Genetics DNA and cytogenetics Diagnostics Lab, Erasmus MC, Erasmus Medical Center
Classification: Likely benign. Review status: no assertion criteria provided. Collection method: clinical testing. Allele origin: germline. Affected: yes. Study: VKGL Data-share Consensus. Not counted in ClinVar's aggregate classification.

Clinical Genetics, Academic Medical Center
Classification: Benign. Review status: no assertion criteria provided. Collection method: clinical testing. Allele origin: germline. Affected: yes. Study: VKGL Data-share Consensus. Not counted in ClinVar's aggregate classification.

Genome Diagnostics Laboratory, University Medical Center Utrecht
Classification: Likely benign. Review status: no assertion criteria provided. Collection method: clinical testing. Allele origin: germline. Affected: yes. Study: VKGL Data-share Consensus. Not counted in ClinVar's aggregate classification.

NM_006516.4(SLC2A1):c.972+7del

Gene: SLC2A1 (solute carrier family 2 member 1; minus strand). Cytogenetic location: 1p34.2.
Variant type: Deletion.
Coding change: c.972+7del on transcript NM_006516.4 (MANE Select); 7 bases into the intron after coding-DNA position 972, one base deleted (C; older notation c.972+7delC).
Molecular consequence: intron variant.
Genome position (GRCh38, 1-based): chr1:42,929,203, G deleted on the plus strand (C on the coding strand, the reverse complement: SLC2A1 is on the minus strand). VCF-style (leftmost placement, unchanged base first): chr1-42929202-AG-A. GRCh37 (hg19) VCF-style: chr1-43394873-AG-A.
Other names: c.972+7del (NM_006516.2).
Identifiers: ClinVar variation 198543 (VCV000198543.57), dbSNP rs531385270, ClinGen allele CA247252.